The following is an entry in ClinVar:

NM_006734.4(HIVEP2):c.3945AGA[1] (p.Glu1316del)

Gene: HIVEP2 (HIVEP zinc finger 2; minus strand). Cytogenetic location: 6q24.2.
Variant type: Microsatellite.
Coding change: c.3945AGA[1] on transcript NM_006734.4 (MANE Select); one copy of the 3-base unit AGA starting at c.3945; the reference has two copies in a row; one copy, 3 bases deleted.
Protein change: p.Glu1316del; deletes glutamic acid 1316.
Genome position (GRCh38, 1-based): chr6:142,770,789-142,770,791, TCT deleted on the plus strand (AGA on the coding strand, the reverse complement: HIVEP2 is on the minus strand); deleting any 3 consecutive bases within chr6:142,770,789-142,770,795 gives the same sequence; the position shown is the placement nearest the transcript's 3' end. VCF-style (leftmost placement, unchanged base first): chr6-142770788-ATCT-A. GRCh37 (hg19) VCF-style: chr6-143091925-ATCT-A.
Other names: short protein forms E1316del.
Identifiers: ClinVar variation 3674395 (VCV003674395.2).

ClinVar aggregate classification (germline): Uncertain significance (1 of 4 stars; one submission).

Submission:

Labcorp Genetics (formerly Invitae), Labcorp
Classification: Uncertain significance. Last evaluated: 2024-07-29. Review status: criteria provided, single submitter. Criteria: Invitae Variant Classification Sherloc (09022015). Collection method: clinical testing. Allele origin: germline.
Comment: This variant, c.3948_3950del, results in the deletion of 1 amino acid(s) of the HIVEP2 protein (p.Glu1316del), but otherwise preserves the integrity of the reading frame. This variant is present in population databases (rs751817690, gnomAD 0.0009%). This variant has not been reported in the literature in individuals affected with HIVEP2-related conditions. Experimental studies and prediction algorithms are not available or were not evaluated, and the functional significance of this variant is currently unknown. In summary, the available evidence is currently insufficient to determine the role of this variant in disease. Therefore, it has been classified as a Variant of Uncertain Significance.